The following is an entry in ClinVar:

NM_006005.3(WFS1):c.543G>C (p.Leu181=)

Gene: WFS1 (wolframin ER transmembrane glycoprotein; plus strand). Cytogenetic location: 4p16.1.
Variant type: single nucleotide variant.
Coding change: c.543G>C on transcript NM_006005.3 (MANE Select); coding-DNA position 543, G replaced by C.
Protein change: p.Leu181=; no amino-acid change (leucine 181 retained).
Molecular consequence: synonymous variant.
Genome position (GRCh38, 1-based): chr4:6,291,279, G>C. VCF-style: chr4-6291279-G-C. GRCh37 (hg19) VCF-style: chr4-6293006-G-C.
Other names: c.543G>C, p.Leu181= (NM_001145853.1).
Identifiers: ClinVar variation 387998 (VCV000387998.2), dbSNP rs376651857, ClinGen allele CA2838934.

ClinVar aggregate classification (germline): Likely benign. Review status: criteria provided, multiple submitters, no conflicts (2 of 4 stars). 2 submissions from 2 submitters: Likely benign (2). Last evaluated 2016-08-15.

Conditions:
Wolfram syndrome 1 (WFS1). Identifiers: Orphanet 3463, MedGen C4551693, MONDO:0009101, OMIM 222300.

Allele frequency attached by ClinVar (database versions not stated): gnomAD exomes below 0.00001; TOPMed below 0.00001; ExAC 0.00001; gnomAD 0.00001; ESP Exome Variant Server 0.00008.
gnomAD v4.1: 4 of 1,613,364 alleles (0.00025%); highest among the groups gnomAD compares: East Asian, 0.0022%; no homozygotes.

Submissions (2):

GeneDx
Classification: Likely benign. Last evaluated: 2016-08-15. Review status: criteria provided, single submitter. Criteria: GeneDx Variant Classification (06012015). Collection method: clinical testing. Allele origin: germline. Affected: yes.
Comment: This variant is considered likely benign or benign based on one or more of the following criteria: it is a conservative change, it occurs at a poorly conserved position in the protein, it is predicted to be benign by multiple in silico algorithms, and/or has population frequency not consistent with disease.

Clinical Genomics, Uppaluri K&H Personalized Medicine Clinic
Classification: Likely benign for Wolfram syndrome 1. Review status: criteria provided, single submitter. Criteria: K & H Uppaluri Personalized Medicine Clinic Variant Classification & Assertion Criteria_Updated V.1. Collection method: research. Allele origin: unknown. Inheritance: Autosomal recessive inheritance.
Comment: Potent mutations in WFS1 gene are associated with Wolfram's syndrome, an autosomal recessive condition, which cause diabetes mellitus, diabetes insipidus, deafness and optic atrophy. However no sufficient evidence is found to ascertain the role of this particular variant rs376651857 in Wolfram's syndrome yet.

Literature cited by the submitters: PubMed 20738327 (cited by Clinical Genomics, Uppaluri K&H Personalized Medicine Clinic); PubMed 33879153 (cited by Clinical Genomics, Uppaluri K&H Personalized Medicine Clinic); PubMed 12955714 (cited by Clinical Genomics, Uppaluri K&H Personalized Medicine Clinic); PubMed 18060660 (cited by Clinical Genomics, Uppaluri K&H Personalized Medicine Clinic); PubMed 20301750 (cited by Clinical Genomics, Uppaluri K&H Personalized Medicine Clinic); PubMed 17603484 (cited by Clinical Genomics, Uppaluri K&H Personalized Medicine Clinic).